The following is an entry in ClinVar:

NM_000337.6(SGCD):c.25C>T (p.His9Tyr)

Gene: SGCD (sarcoglycan delta; plus strand). Cytogenetic location: 5q33.3.
Variant type: single nucleotide variant.
Coding change: c.25C>T on transcript NM_000337.6 (MANE Select); coding-DNA position 25, C replaced by T.
Protein change: p.His9Tyr; replaces histidine 9 with tyrosine.
Molecular consequence: missense variant.
Genome position (GRCh38, 1-based): chr5:156,344,510, C>T. VCF-style: chr5-156344510-C-T. GRCh37 (hg19) VCF-style: chr5-155771520-C-T.
Other names: c.22C>T, p.His8Tyr (NM_001128209.2); c.25C>T, p.His9Tyr (NM_172244.3); short protein forms H8Y, H9Y.
Identifiers: ClinVar variation 684822 (VCV000684822.14), dbSNP rs1320640424, ClinGen allele CA362007542.

ClinVar aggregate classification (germline): Uncertain significance. Review status: criteria provided, multiple submitters, no conflicts (2 of 4 stars). 7 submissions from 6 submitters: Uncertain significance (7). Last evaluated 2023-06-01.

Conditions:
Dilated cardiomyopathy 1L (CMD1L). Identifiers: Orphanet 154, MedGen C1847667, MONDO:0011702, OMIM 606685.
Autosomal recessive limb-girdle muscular dystrophy type 2F (LGMDR6). Also called: MUSCULAR DYSTROPHY, LIMB-GIRDLE, AUTOSOMAL RECESSIVE 6; Muscular dystrophy limb-girdle with delta-sarcoglyan deficiency. Identifiers: Orphanet 219, MedGen C1832525, MONDO:0011028, OMIM 601287. Disease mechanism: Affects gamma-sarcoglycan and also disrupts the integrity of the entire sarcoglycan complex..
Inborn genetic diseases. Identifiers: MedGen C0950123, MeSH D030342.
Primary familial dilated cardiomyopathy (FDC). Also called: Hypokinetic dilated cardiomyopathy, familial; Familial dilated cardiomyopathy. Identifiers: Orphanet 217607, MedGen C0340427, MONDO:0016333.

Allele frequency attached by ClinVar (database versions not stated): gnomAD exomes below 0.00001; gnomAD 0.00001; TOPMed 0.00001.
gnomAD v4.1: 7 of 1,605,624 alleles (0.00044%); highest among the groups gnomAD compares: African/African-American, 0.0013%; no homozygotes.

Submissions (7):

Ambry Genetics
Classification: Uncertain significance for Inborn genetic diseases. Last evaluated: 2023-06-01. Review status: criteria provided, single submitter. Criteria: Ambry Variant Classification Scheme 2023. Collection method: clinical testing. Allele origin: germline.
Comment: The p.H9Y variant (also known as c.25C>T), located in coding exon 2 of the SGCD gene, results from a C to T substitution at nucleotide position 25. The histidine at codon 9 is replaced by tyrosine, an amino acid with similar properties. This amino acid position is conserved. In addition, the in silico prediction for this alteration is inconclusive. Since supporting evidence is limited at this time, the clinical significance of this alteration remains unclear.

Genome-Nilou Lab
Classification: Uncertain significance for Autosomal recessive limb-girdle muscular dystrophy type 2F. Last evaluated: 2023-02-08. Review status: criteria provided, single submitter. Criteria: ACMG Guidelines, 2015. Collection method: clinical testing. Allele origin: germline.

Genome-Nilou Lab
Classification: Uncertain significance for Dilated cardiomyopathy 1L. Last evaluated: 2023-02-08. Review status: criteria provided, single submitter. Criteria: ACMG Guidelines, 2015. Collection method: clinical testing. Allele origin: germline.

Labcorp Genetics (formerly Invitae), Labcorp
Classification: Uncertain significance for Autosomal recessive limb-girdle muscular dystrophy type 2F. Last evaluated: 2022-08-22. Review status: criteria provided, single submitter. Criteria: Invitae Variant Classification Sherloc (09022015). Collection method: clinical testing. Allele origin: germline.
Comment: This sequence change replaces histidine, which is basic and polar, with tyrosine, which is neutral and polar, at codon 9 of the SGCD protein (p.His9Tyr). This variant is not present in population databases (gnomAD no frequency). This variant has not been reported in the literature in individuals affected with SGCD-related conditions. ClinVar contains an entry for this variant (Variation ID: 684822). Algorithms developed to predict the effect of missense changes on protein structure and function are either unavailable or do not agree on the potential impact of this missense change (SIFT: "Deleterious"; PolyPhen-2: "Possibly Damaging"; Align-GVGD: "Class C0"). In summary, the available evidence is currently insufficient to determine the role of this variant in disease. Therefore, it has been classified as a Variant of Uncertain Significance.

Revvity Omics, Revvity
Classification: Uncertain significance. Last evaluated: 2022-07-12. Review status: criteria provided, single submitter. Criteria: ACMG Guidelines, 2015. Collection method: clinical testing. Allele origin: germline.

Fulgent Genetics
Classification: Uncertain significance for Autosomal recessive limb-girdle muscular dystrophy type 2F; Dilated cardiomyopathy 1L. Last evaluated: 2022-01-04. Review status: criteria provided, single submitter. Criteria: ACMG Guidelines, 2015. Collection method: clinical testing. Allele origin: unknown.

Molecular Diagnostic Laboratory for Inherited Cardiovascular Disease, Montreal Heart Institute
Classification: Uncertain significance for Familial dilated cardiomyopathy. Review status: criteria provided, single submitter. Criteria: ACMG Guidelines, 2015. Collection method: clinical testing. Allele origin: germline. Affected: yes.